The following is an entry in ClinVar:

NM_001103.4(ACTN2):c.989A>T (p.His330Leu)

Gene: ACTN2 (actinin alpha 2; plus strand). Cytogenetic location: 1q43.
Variant type: single nucleotide variant.
Coding change: c.989A>T on transcript NM_001103.4 (MANE Select); coding-DNA position 989, A replaced by T.
Protein change: p.His330Leu; replaces histidine 330 with leucine.
Molecular consequence: missense variant. On other transcripts: non-coding transcript variant (1).
Genome position (GRCh38, 1-based): chr1:236,739,414, A>T. VCF-style: chr1-236739414-A-T. GRCh37 (hg19) VCF-style: chr1-236902714-A-T.
Other names: c.989A>T, p.His330Leu (NM_001278343.2); c.365A>T, p.His122Leu (NM_001278344.2); c.239A>T, p.His80Leu (NM_001412150.1); short protein forms H330L, H122L, H80L.
Identifiers: ClinVar variation 2941279 (VCV002941279.3), dbSNP rs2527599607, ClinGen allele CA345380476.

ClinVar aggregate classification (germline): Uncertain significance (1 of 4 stars; one submission).

Conditions:
Primary familial hypertrophic cardiomyopathy (HCM). Identifiers: Orphanet 99739, MedGen C0949658, MeSH D024741, MONDO:0024573. Inheritance: Various modes of inheritance.
Dilated cardiomyopathy 1AA (CMD1AA). Also called: Cardiomyopathy, dilated, 1AA, with or without LVNC; CARDIOMYOPATHY, DILATED, 1AA, WITH OR WITHOUT LEFT VENTRICULAR NONCOMPACTION; CARDIOMYOPATHY, FAMILIAL HYPERTROPHIC, 23, WITH OR WITHOUT LEFT VENTRICULAR NONCOMPACTION. Identifiers: Orphanet 154, MedGen C2677338, MONDO:0012808, OMIM 612158.

Submission:

Labcorp Genetics (formerly Invitae), Labcorp
Classification: Uncertain significance for Primary familial hypertrophic cardiomyopathy; Dilated cardiomyopathy 1AA. Last evaluated: 2023-06-04. Review status: criteria provided, single submitter. Criteria: Invitae Variant Classification Sherloc (09022015). Collection method: clinical testing. Allele origin: germline.
Comment: In summary, the available evidence is currently insufficient to determine the role of this variant in disease. Therefore, it has been classified as a Variant of Uncertain Significance. Advanced modeling of protein sequence and biophysical properties (such as structural, functional, and spatial information, amino acid conservation, physicochemical variation, residue mobility, and thermodynamic stability) performed at Invitae indicates that this missense variant is not expected to disrupt ACTN2 protein function. This variant has not been reported in the literature in individuals affected with ACTN2-related conditions. This variant is not present in population databases (gnomAD no frequency). This sequence change replaces histidine, which is basic and polar, with leucine, which is neutral and non-polar, at codon 330 of the ACTN2 protein (p.His330Leu).